The following is an entry in ClinVar:

ClinVar aggregate classification (germline): Uncertain significance. Review status: criteria provided, multiple submitters, no conflicts (2 of 4 stars). 3 submissions from 3 submitters: Uncertain significance (3). Last evaluated 2025-02-15.

Conditions:
Nephronophthisis 14 (NPHP14). Identifiers: Orphanet 2318, MedGen C3539071, MONDO:0013916, OMIM 614844.

Allele frequency attached by ClinVar (database versions not stated): ExAC 0.00001; TOPMed 0.00006.
gnomAD v4.1: 40 of 1,613,768 alleles (0.0025%); highest among the groups gnomAD compares: Admixed American, 0.017%; no homozygotes.

Submissions (3):

Ambry Genetics
Classification: Uncertain significance. Last evaluated: 2025-02-15. Review status: criteria provided, single submitter. Criteria: Ambry Variant Classification Scheme 2023. Collection method: clinical testing. Allele origin: germline.

Labcorp Genetics (formerly Invitae), Labcorp
Classification: Uncertain significance for Nephronophthisis 14. Last evaluated: 2022-06-11. Review status: criteria provided, single submitter. Criteria: Invitae Variant Classification Sherloc (09022015). Collection method: clinical testing. Allele origin: germline.
Comment: This sequence change replaces leucine, which is neutral and non-polar, with isoleucine, which is neutral and non-polar, at codon 283 of the ZNF423 protein (p.Leu283Ile). This variant is present in population databases (rs770995307, gnomAD 0.01%). This variant has not been reported in the literature in individuals affected with ZNF423-related conditions. ClinVar contains an entry for this variant (Variation ID: 425106). Algorithms developed to predict the effect of missense changes on protein structure and function (SIFT, PolyPhen-2, Align-GVGD) all suggest that this variant is likely to be tolerated. In summary, the available evidence is currently insufficient to determine the role of this variant in disease. Therefore, it has been classified as a Variant of Uncertain Significance.

CeGaT Center for Human Genetics Tuebingen
Classification: Uncertain significance. Last evaluated: 2016-10-01. Review status: criteria provided, single submitter. Criteria: CeGaT Center For Human Genetics Tuebingen Variant Classification Criteria Version 2. Collection method: clinical testing. Allele origin: germline. Affected: yes. Observed: 1 variant allele.

NM_001379286.1(ZNF423):c.871C>A (p.Leu291Ile)

Gene: ZNF423 (zinc finger protein 423; minus strand). Cytogenetic location: 16q12.1.
Variant type: single nucleotide variant.
Coding change: c.871C>A on transcript NM_001379286.1 (MANE Select); coding-DNA position 871, C replaced by A.
Protein change: p.Leu291Ile; replaces leucine 291 with isoleucine.
Molecular consequence: missense variant.
Genome position (GRCh38, 1-based): chr16:49,638,305, G>T on the plus strand (C>A on the coding strand, the complement: ZNF423 is on the minus strand). VCF-style: chr16-49638305-G-T. GRCh37 (hg19) VCF-style: chr16-49672216-G-T.
Other names: c.847C>A (NM_015069.2); c.667C>A, p.Leu223Ile (NM_001271620.2); c.496C>A, p.Leu166Ile (NM_001330533.2); c.847C>A, p.Leu283Ile (NM_015069.5); short protein forms L223I, L166I, L283I, L291I.
Identifiers: ClinVar variation 425106 (VCV000425106.47), dbSNP rs770995307, ClinGen allele CA8046805.